The following is an entry in ClinVar:

ClinVar aggregate classification (germline): Uncertain significance (1 of 4 stars; one submission).

Conditions:
Hereditary spastic paraplegia 3A (SPG3A). Also called: SPASTIC PARAPLEGIA 3, AUTOSOMAL DOMINANT; FAMILIAL SPASTIC PARAPLEGIA, AUTOSOMAL DOMINANT, 1; SPG3; STRUMPELL DISEASE; Spastic Paraplegia 3A; Spastic paraplegia 3A, autosomal dominant. Identifiers: Orphanet 100984, MedGen C2931355, MONDO:0008437, OMIM 182600.

Allele frequency attached by ClinVar (database versions not stated): TOPMed below 0.00001; gnomAD 0.00001; gnomAD exomes 0.00001.
gnomAD v4.1: 10 of 1,614,096 alleles (0.00062%); highest among the groups gnomAD compares: East Asian, 0.0067%; no homozygotes.

Submission:

Labcorp Genetics (formerly Invitae), Labcorp
Classification: Uncertain significance for Hereditary spastic paraplegia 3A. Last evaluated: 2020-10-08. Review status: criteria provided, single submitter. Criteria: Invitae Variant Classification Sherloc (09022015). Collection method: clinical testing. Allele origin: germline.
Comment: This sequence change falls in intron 2 of the ATL1 gene. It does not directly change the encoded amino acid sequence of the ATL1 protein, but it affects a nucleotide within the consensus splice site of the intron. In summary, the available evidence is currently insufficient to determine the role of this variant in disease. Therefore, it has been classified as a Variant of Uncertain Significance. Nucleotide substitutions within the consensus splice site are a relatively common cause of aberrant splicing (PMID: 17576681, 9536098). Algorithms developed to predict the effect of sequence changes on RNA splicing suggest that this variant is not likely to affect RNA splicing, but this prediction has not been confirmed by published transcriptional studies. This variant has not been reported in the literature in individuals with ATL1-related conditions. This variant is not present in population databases (ExAC no frequency).

Literature cited by the submitters: PubMed 17576681; PubMed 9536098.

NM_015915.5(ATL1):c.282+4T>C

Gene: ATL1 (atlastin GTPase 1; plus strand). Cytogenetic location: 14q22.1.
Variant type: single nucleotide variant.
Coding change: c.282+4T>C on transcript NM_015915.5 (MANE Select); 4 bases into the intron after coding-DNA position 282, T replaced by C.
Molecular consequence: intron variant.
Genome position (GRCh38, 1-based): chr14:50,588,082, T>C. VCF-style: chr14-50588082-T-C. GRCh37 (hg19) VCF-style: chr14-51054800-T-C.
Other names: c.282+4T>C (NM_181598.4, NM_001127713.1).
Identifiers: ClinVar variation 1006061 (VCV001006061.6), dbSNP rs1337325727, ClinGen allele CA706583791.